The following is an entry in ClinVar:

ClinVar aggregate classification (germline): Benign. Review status: criteria provided, multiple submitters, no conflicts (2 of 4 stars). 3 submissions from 3 submitters: Benign (2). 1 of the submissions does not count toward it. Last evaluated 2016-03-29.

Conditions:
HIVEP3-related disorder. Also called: HIVEP3-related condition.

Allele frequency attached by ClinVar (database versions not stated): ESP Exome Variant Server 0.95502; gnomAD 0.95717 and 0.95423; 1000 Genomes Project 30x 0.94738; 1000 Genomes Project 0.94928; TOPMed 0.95223; ExAC 0.98685; gnomAD exomes 0.98928.
gnomAD v4.1: 1,601,030 of 1,613,904 alleles (99%); highest among the groups gnomAD compares: East Asian, 100%; 794,991 homozygotes.

Submissions (3):

Laboratory for Molecular Medicine, Mass General Brigham Personalized Medicine
Classification: Benign. Last evaluated: 2016-03-29. Review status: criteria provided, single submitter. Criteria: LMM Criteria. Collection method: clinical testing. Allele origin: germline.
Comment: Variant identified in a genome or exome case(s) and assessed due to predicted null impact of the variant or pathogenic assertions in the literature or databases. Disclaimer: This variant has not undergone full assessment. The following are preliminary notes: Frequency

Breakthrough Genomics
Classification: Benign. Review status: criteria provided, single submitter. Criteria: ACMG Guidelines, 2015. Collection method: not provided. Allele origin: germline. Inheritance: Unknown mechanism. Affected: yes.

PreventionGenetics, part of Exact Sciences
Classification: Benign for HIVEP3-related condition. Last evaluated: 2019-10-28. Review status: no assertion criteria provided. Collection method: clinical testing. Allele origin: germline. Not counted in ClinVar's aggregate classification.
Comment: This variant is classified as benign based on ACMG/AMP sequence variant interpretation guidelines (Richards et al. 2015 PMID: 25741868, with internal and published modifications).

NM_024503.5(HIVEP3):c.1329G>C (p.Leu443=)

Gene: HIVEP3 (HIVEP zinc finger 3; minus strand). Cytogenetic location: 1p34.2.
Variant type: single nucleotide variant.
Coding change: c.1329G>C on transcript NM_024503.5 (MANE Select); coding-DNA position 1329, G replaced by C.
Protein change: p.Leu443=; no amino-acid change (leucine 443 retained).
Molecular consequence: synonymous variant.
Genome position (GRCh38, 1-based): chr1:41,583,469, C>G on the plus strand (G>C on the coding strand, the complement: HIVEP3 is on the minus strand). VCF-style: chr1-41583469-C-G. GRCh37 (hg19) VCF-style: chr1-42049140-C-G.
Other names: c.1329G>C, p.Leu443= (NM_001127714.3).
Identifiers: ClinVar variation 402947 (VCV000402947.7), dbSNP rs2475842, ClinGen allele CA798267.